The following is an entry in ClinVar:

NM_004329.3(BMPR1A):c.586_592del (p.Asp196fs)

Gene: BMPR1A (bone morphogenetic protein receptor type 1A; plus strand). Cytogenetic location: 10q23.2.
Variant type: Deletion.
Coding change: c.586_592del on transcript NM_004329.3 (MANE Select); coding-DNA positions 586 to 592, 7 bases deleted (GATGAAG; older notation c.586_592delGATGAAG).
Protein change: p.Asp196fs; shifts the reading frame from aspartic acid 196.
Molecular consequence: frameshift variant.
Genome position (GRCh38, 1-based): chr10:86,912,295-86,912,301, GATGAAG deleted; deleting any 7 consecutive bases within chr10:86,912,293-86,912,301 gives the same sequence; the c. name uses the placement nearest the transcript's 3' end. VCF-style (leftmost placement, unchanged base first): chr10-86912292-CAGGATGA-C. GRCh37 (hg19) VCF-style: chr10-88672049-CAGGATGA-C.
Other names: c.661_667delGATGAAG, p.Asp221Hisfs (NM_001406559.1); c.634_640delGATGAAG, p.Asp212Hisfs (NM_001406560.1); c.586_592delGATGAAG, p.Asp196Hisfs (NM_001406561.1, NM_001406562.1, NM_001406563.1 and 20 more transcripts); c.502_508delGATGAAG, p.Asp168Hisfs (NM_001406584.1, NM_001406585.1, NM_001406586.1 and 2 more transcripts); short protein forms D196fs.
Identifiers: ClinVar variation 1750141 (VCV001750141.2), dbSNP rs2539572767, ClinGen allele CA2580082078.

ClinVar aggregate classification (germline): Pathogenic (1 of 4 stars; one submission).

Conditions:
Hereditary cancer-predisposing syndrome. Also called: Hereditary Cancer Syndrome; Hereditary neoplastic syndrome; Neoplastic Syndromes, Hereditary; Tumor predisposition. Identifiers: Orphanet 140162, MedGen C0027672, MeSH D009386, MONDO:0015356.

Submission:

Ambry Genetics
Classification: Pathogenic for Hereditary cancer-predisposing syndrome. Last evaluated: 2020-06-26. Review status: criteria provided, single submitter. Criteria: Ambry Variant Classification Scheme 2023. Collection method: clinical testing. Allele origin: germline.
Comment: The c.586_592delGATGAAG pathogenic mutation, located in coding exon 6 of the BMPR1A gene, results from a deletion of 7 nucleotides at nucleotide positions 586 to 592, causing a translational frameshift with a predicted alternate stop codon (p.D196Hfs*9). This alteration is expected to result in loss of function by premature protein truncation or nonsense-mediated mRNA decay. As such, this alteration is interpreted as a disease-causing mutation.